The following is an entry in ClinVar:

NM_001286.5(CLCN6):c.1907T>G (p.Val636Gly)

Gene: CLCN6 (chloride voltage-gated channel 6; plus strand). Cytogenetic location: 1p36.22.
Variant type: single nucleotide variant.
Coding change: c.1907T>G on transcript NM_001286.5 (MANE Select); coding-DNA position 1907, T replaced by G.
Protein change: p.Val636Gly; replaces valine 636 with glycine.
Molecular consequence: missense variant. On other transcripts: non-coding transcript variant (1).
Genome position (GRCh38, 1-based): chr1:11,836,080, T>G. VCF-style: chr1-11836080-T-G. GRCh37 (hg19) VCF-style: chr1-11896137-T-G.
Other names: c.1841T>G, p.Val614Gly (NM_001256959.2); short protein forms V636G, V614G.
Identifiers: ClinVar variation 4723188 (VCV004723188.1).
Genomic context (GRCh38, chr1:11,836,080, plus strand): 5'-CCCGCATCCAGTCTCTGGTGAGCATCCTGCGCACCACGGTCCACCATGCCTTCCCGGTGG[T>G]CACAGAGAACCGCGGTAACGAGAAGGAGTTCATGAAGGGCAACCAGCTCATCAGCAACAA-3'
Protein context (NP_001277.2, residues 626-646): RTTVHHAFPV[Val636Gly]TENRGNEKEF

ClinVar aggregate classification (germline): Uncertain significance (1 of 4 stars; one submission).

Submission:

Labcorp Genetics (formerly Invitae), Labcorp
Classification: Uncertain significance. Last evaluated: 2025-07-14. Review status: criteria provided, single submitter. Criteria: Invitae Variant Classification Sherloc (09022015). Collection method: clinical testing. Allele origin: germline.
Comment: This sequence change replaces valine, which is neutral and non-polar, with glycine, which is neutral and non-polar, at codon 636 of the CLCN6 protein (p.Val636Gly). This variant is not present in population databases (gnomAD no frequency). This variant has not been reported in the literature in individuals affected with CLCN6-related conditions. An algorithm developed to predict the effect of missense changes on protein structure and function (PolyPhen-2) suggests that this variant is likely to be disruptive. In summary, the available evidence is currently insufficient to determine the role of this variant in disease. Therefore, it has been classified as a Variant of Uncertain Significance.